The following is an entry in ClinVar:

ClinVar aggregate classification (germline): Uncertain significance. Review status: criteria provided, multiple submitters, no conflicts (2 of 4 stars). 4 submissions from 4 submitters: Uncertain significance (4). Last evaluated 2026-02-26.

Conditions:
Ehlers-Danlos syndrome (EDS). Identifiers: Orphanet 98249, MedGen C0013720, MONDO:0020066.
Ehlers-Danlos syndrome, dermatosparaxis type. Also called: EDS VIIC; Ehlers-Danlos syndrome, type VII, autosomal recessive; Dermatosparaxis. Identifiers: Orphanet 1901, MedGen C2700425, MONDO:0009161, OMIM 225410.

Submissions (4):

Women's Health and Genetics/Laboratory Corporation of America, LabCorp
Classification: Uncertain significance. Last evaluated: 2026-02-26. Review status: criteria provided, single submitter. Criteria: LabCorp Variant Classification Summary - May 2015. Collection method: clinical testing. Allele origin: germline.
Comment: Variant summary: ADAMTS2 c.708_716delGGACAGCCT (p.Asp237_Leu239del) results in an in-frame deletion that is predicted to remove three amino acids from the encoded protein. The variant allele was found at a frequency of 4e-05 in 250406 control chromosomes. This frequency is not significantly higher than estimated for disease-causing variants in ADAMTS2, allowing no conclusion about variant significance. To our knowledge, no occurrence of c.708_716delGGACAGCCT in individuals affected with ADAMTS2-related conditions and no experimental evidence demonstrating its impact on protein function have been reported. ClinVar contains an entry for this variant (Variation ID: 1428427). Based on the evidence outlined above, the variant was classified as uncertain significance.

Mayo Clinic Laboratories, Mayo Clinic
Classification: Uncertain significance. Last evaluated: 2025-09-05. Review status: criteria provided, single submitter. Criteria: ACMG Guidelines, 2015. Collection method: clinical testing. Allele origin: germline. Observed: 2 variant alleles.
Comment: PM4

Labcorp Genetics (formerly Invitae), Labcorp
Classification: Uncertain significance for Ehlers-Danlos syndrome, dermatosparaxis type. Last evaluated: 2024-01-18. Review status: criteria provided, single submitter. Criteria: Invitae Variant Classification Sherloc (09022015). Collection method: clinical testing. Allele origin: germline.
Comment: This variant, c.708_716del, results in the deletion of 3 amino acid(s) of the ADAMTS2 protein (p.Asp237_Leu239del), but otherwise preserves the integrity of the reading frame. This variant is present in population databases (no rsID available, gnomAD 0.01%). This variant has not been reported in the literature in individuals affected with ADAMTS2-related conditions. ClinVar contains an entry for this variant (Variation ID: 1428427). Experimental studies and prediction algorithms are not available or were not evaluated, and the functional significance of this variant is currently unknown. In summary, the available evidence is currently insufficient to determine the role of this variant in disease. Therefore, it has been classified as a Variant of Uncertain Significance.

Genome Diagnostics Laboratory, The Hospital for Sick Children
Classification: Uncertain significance for Ehlers-Danlos syndrome. Last evaluated: 2020-04-01. Review status: criteria provided, single submitter. Criteria: ACMG Guidelines, 2015. Collection method: clinical testing. Allele origin: germline.

NM_014244.5(ADAMTS2):c.699GGACAGCCT[1] (p.234DSL[1])

Gene: ADAMTS2 (ADAM metallopeptidase with thrombospondin type 1 motif 2; minus strand). Cytogenetic location: 5q35.3.
Variant type: Microsatellite.
Coding change: c.699GGACAGCCT[1] on transcript NM_014244.5 (MANE Select); one copy of the 9-base unit GGACAGCCT starting at c.699; the reference has two copies in a row; one copy, 9 bases deleted; also written c.708_716del.
Protein change: p.234DSL[1].
Molecular consequence: inframe deletion.
Genome position (GRCh38, 1-based): chr5:179,207,688-179,207,696, AGGCTGTCC deleted on the plus strand (GGACAGCCT on the coding strand, the reverse complement: ADAMTS2 is on the minus strand); deleting any 9 consecutive bases within chr5:179,207,688-179,207,708 gives the same sequence; the position shown is the placement nearest the transcript's 3' end. VCF-style (leftmost placement, unchanged base first): chr5-179207687-GAGGCTGTCC-G. GRCh37 (hg19) VCF-style: chr5-178634688-GAGGCTGTCC-G.
Other names: p.Asp237_Leu239del; c.699GGACAGCCT[1], p.234DSL[1] (NM_021599.4); c.708_716del (NM_014244.5); c.708_716delGGACAGCCT (NM_014244.5).
Identifiers: ClinVar variation 1428427 (VCV001428427.9), dbSNP rs778523767, ClinGen allele CA564564972.